The following is an entry in ClinVar:

ClinVar aggregate classification (germline): Uncertain significance (1 of 4 stars; one submission).

Conditions:
Cardiovascular phenotype. Identifiers: MedGen CN230736.

Submission:

Ambry Genetics
Classification: Uncertain significance for Cardiovascular phenotype. Last evaluated: 2021-03-16. Review status: criteria provided, single submitter. Criteria: Ambry Variant Classification Scheme 2023. Collection method: clinical testing. Allele origin: germline.
Comment: The p.D152N variant (also known as c.454G>A), located in coding exon 4 of the SCN3B gene, results from a G to A substitution at nucleotide position 454. The aspartic acid at codon 152 is replaced by asparagine, an amino acid with highly similar properties. This amino acid position is well conserved in available vertebrate species. In addition, the in silico prediction for this alteration is inconclusive. Since supporting evidence is limited at this time, the clinical significance of this alteration remains unclear.

NM_001040151.2(SCN3B):c.454G>A (p.Asp152Asn)

Gene: SCN3B (sodium voltage-gated channel beta subunit 3; minus strand). Cytogenetic location: 11q24.1.
Variant type: single nucleotide variant.
Coding change: c.454G>A on transcript NM_001040151.2 (MANE Select); coding-DNA position 454, G replaced by A.
Protein change: p.Asp152Asn; replaces aspartic acid 152 with asparagine.
Molecular consequence: missense variant.
Genome position (GRCh38, 1-based): chr11:123,638,316, C>T on the plus strand (G>A on the coding strand, the complement: SCN3B is on the minus strand). VCF-style: chr11-123638316-C-T. GRCh37 (hg19) VCF-style: chr11-123509024-C-T.
Other names: c.454G>A, p.Asp152Asn (NM_018400.4); short protein forms D152N.
Identifiers: ClinVar variation 1741428 (VCV001741428.2), dbSNP rs2497562367, ClinGen allele CA383070410.